The following is an entry in ClinVar:

NM_001298.3(CNGA3):c.1615G>A (p.Val539Met)

Gene: CNGA3 (cyclic nucleotide gated channel subunit alpha 3; plus strand). Cytogenetic location: 2q11.2.
Variant type: single nucleotide variant.
Coding change: c.1615G>A on transcript NM_001298.3 (MANE Select); coding-DNA position 1615, G replaced by A.
Protein change: p.Val539Met; replaces valine 539 with methionine.
Molecular consequence: missense variant.
Genome position (GRCh38, 1-based): chr2:98,396,785, G>A. VCF-style: chr2-98396785-G-A. GRCh37 (hg19) VCF-style: chr2-99013248-G-A.
Other names: c.1561G>A, p.Val521Met (NM_001079878.2); short protein forms V521M, V539M.
Identifiers: ClinVar variation 1064501 (VCV001064501.7), dbSNP rs374275399, ClinGen allele CA1794049.

ClinVar aggregate classification (germline): Uncertain significance. Review status: criteria provided, multiple submitters, no conflicts (2 of 4 stars). 3 submissions from 3 submitters: Uncertain significance (2). 1 of the submissions does not count toward it. Last evaluated 2022-09-27.

Conditions:
Achromatopsia 2 (ACHM2). Also called: COLORBLINDNESS, TOTAL; ROD MONOCHROMACY 2; ROD MONOCHROMATISM 2. Identifiers: Orphanet 49382, MedGen C1857618, MONDO:0009003, OMIM 216900.

Allele frequency attached by ClinVar (database versions not stated): ExAC 0.00001; gnomAD 0.00001 and 0.00002; gnomAD exomes 0.00002; TOPMed 0.00002; ESP Exome Variant Server 0.00008.
gnomAD v4.1: 36 of 1,614,086 alleles (0.0022%); highest among the groups gnomAD compares: African/African-American, 0.0027%; no homozygotes.

Submissions (3):

Labcorp Genetics (formerly Invitae), Labcorp
Classification: Uncertain significance. Last evaluated: 2022-09-27. Review status: criteria provided, single submitter. Criteria: Invitae Variant Classification Sherloc (09022015). Collection method: clinical testing. Allele origin: germline.
Comment: This variant is present in population databases (rs374275399, gnomAD 0.01%). In summary, the available evidence is currently insufficient to determine the role of this variant in disease. Therefore, it has been classified as a Variant of Uncertain Significance. Advanced modeling of protein sequence and biophysical properties (such as structural, functional, and spatial information, amino acid conservation, physicochemical variation, residue mobility, and thermodynamic stability) performed at Invitae indicates that this missense variant is expected to disrupt CNGA3 protein function. ClinVar contains an entry for this variant (Variation ID: 1064501). This variant has not been reported in the literature in individuals affected with CNGA3-related conditions. This sequence change replaces valine, which is neutral and non-polar, with methionine, which is neutral and non-polar, at codon 539 of the CNGA3 protein (p.Val539Met).

Fulgent Genetics
Classification: Uncertain significance for Achromatopsia 2. Last evaluated: 2022-03-02. Review status: criteria provided, single submitter. Criteria: ACMG Guidelines, 2015. Collection method: clinical testing. Allele origin: unknown.

Molecular Genetics Laboratory, Institute for Ophthalmic Research
Classification: Uncertain significance for Achromatopsia 2. Last evaluated: 2021-04-15. Review status: no assertion criteria provided. Collection method: research. Allele origin: germline. Affected: yes. Not counted in ClinVar's aggregate classification.